The following is an entry in ClinVar:

NM_000098.3(CPT2):c.1782C>T (p.Ser594=)

Gene: CPT2 (carnitine palmitoyltransferase 2; plus strand). Cytogenetic location: 1p32.3.
Variant type: single nucleotide variant.
Coding change: c.1782C>T on transcript NM_000098.3 (MANE Select); coding-DNA position 1782, C replaced by T.
Protein change: p.Ser594=; no amino-acid change (serine 594 retained).
Molecular consequence: synonymous variant.
Genome position (GRCh38, 1-based): chr1:53,213,400, C>T. VCF-style: chr1-53213400-C-T. GRCh37 (hg19) VCF-style: chr1-53679072-C-T.
Other names: c.1713C>T, p.Ser571= (NM_001330589.2).
Identifiers: ClinVar variation 3768634 (VCV003768634.1).
Genomic context (GRCh38, chr1:53,213,400, plus strand): 5'-CCTGGACCCTGCATACGGGCAGATAAACCACAATGTCCTGTCCACGAGCACACTGAGCAG[C>T]CCAGCAGTGAACCTTGGGGGCTTTGCCCCTGTGGTCTCTGATGGCTTTGGTGTTGGGTAT-3'
Protein context (NP_000089.1, residues 584-604): HNVLSTSTLS[Ser594=]PAVNLGGFAP

ClinVar aggregate classification (germline): Likely benign (1 of 4 stars; one submission).

Submission:

Women's Health and Genetics/Laboratory Corporation of America, LabCorp
Classification: Likely benign. Last evaluated: 2025-02-10. Review status: criteria provided, single submitter. Criteria: LabCorp Variant Classification Summary - May 2015. Collection method: clinical testing. Allele origin: germline.
Comment: Variant summary: CPT2 c.1782C>T alters a conserved nucleotide resulting in a synonymous change. Consensus agreement among computation tools predict no significant impact on normal splicing. However, these predictions have yet to be confirmed by functional studies. The variant was absent in 251486 control chromosomes. The available data on variant occurrences in the general population are insufficient to allow any conclusion about variant significance. To our knowledge, no occurrence of c.1782C>T in individuals affected with Carnitine Palmitoyltransferase II Deficiency and no experimental evidence demonstrating its impact on protein function have been reported. No submitters have cited clinical-significance assessments for this variant to ClinVar. Based on the evidence outlined above, the variant was classified as likely benign.